The following is an entry in ClinVar:

ClinVar aggregate classification (germline): Likely benign. Review status: criteria provided, multiple submitters, no conflicts (2 of 4 stars). 5 submissions from 4 submitters: Likely benign (5). Last evaluated 2025-12-01.

Conditions:
Inborn genetic diseases. Identifiers: MedGen C0950123, MeSH D030342.
Developmental and epileptic encephalopathy, 14 (DEE14). Also called: Early infantile epileptic encephalopathy 14. Identifiers: Orphanet 293181, MedGen C3554195, MONDO:0013989, OMIM 614959.
Autosomal dominant nocturnal frontal lobe epilepsy 5. Also called: CILIARY DYSKINESIA, PRIMARY, 28, WITH SITUS INVERSUS; Epilepsy, nocturnal frontal lobe, 5; CILIARY DYSKINESIA, PRIMARY, 28, WITHOUT SITUS INVERSUS; KCNT1-Related Epilepsy. Identifiers: Orphanet 98784, MedGen C3554306, MONDO:0014002, OMIM 615005.

Allele frequency attached by ClinVar (database versions not stated): gnomAD exomes 0.00001 and 0.00004; ExAC 0.00004; gnomAD 0.00007; TOPMed 0.00008; ESP Exome Variant Server 0.00031.
gnomAD v4.1: 20 of 1,606,478 alleles (0.0012%); highest among the groups gnomAD compares: African/African-American, 0.019%; no homozygotes.

Submissions (5):

Labcorp Genetics (formerly Invitae), Labcorp
Classification: Likely benign for Autosomal dominant nocturnal frontal lobe epilepsy 5; Developmental and epileptic encephalopathy, 14. Last evaluated: 2025-12-01. Review status: criteria provided, single submitter. Criteria: Invitae Variant Classification Sherloc (09022015). Collection method: clinical testing. Allele origin: germline.

Genome-Nilou Lab
Classification: Likely benign for Developmental and epileptic encephalopathy, 14. Last evaluated: 2022-03-15. Review status: criteria provided, single submitter. Criteria: ACMG Guidelines, 2015. Collection method: clinical testing. Allele origin: germline. Affected: no.

Genome-Nilou Lab
Classification: Likely benign for Autosomal dominant nocturnal frontal lobe epilepsy 5. Last evaluated: 2022-03-15. Review status: criteria provided, single submitter. Criteria: ACMG Guidelines, 2015. Collection method: clinical testing. Allele origin: germline. Affected: no.

Ambry Genetics
Classification: Likely benign for Inborn genetic diseases. Last evaluated: 2018-12-19. Review status: criteria provided, single submitter. Criteria: Ambry Variant Classification Scheme 2023. Collection method: clinical testing. Allele origin: germline.

GeneDx
Classification: Likely benign. Last evaluated: 2017-03-02. Review status: criteria provided, single submitter. Criteria: GeneDx Variant Classification (06012015). Collection method: clinical testing. Allele origin: germline. Affected: yes.
Comment: This variant is considered likely benign or benign based on one or more of the following criteria: it is a conservative change, it occurs at a poorly conserved position in the protein, it is predicted to be benign by multiple in silico algorithms, and/or has population frequency not consistent with disease.

NM_020822.3(KCNT1):c.2856T>C (p.Asn952=)

Gene: KCNT1 (potassium sodium-activated channel subfamily T member 1; plus strand). Cytogenetic location: 9q34.3.
Variant type: single nucleotide variant.
Coding change: c.2856T>C on transcript NM_020822.3 (MANE Select); coding-DNA position 2856, T replaced by C.
Protein change: p.Asn952=; no amino-acid change (asparagine 952 retained).
Molecular consequence: synonymous variant.
Genome position (GRCh38, 1-based): chr9:135,784,038, T>C. VCF-style: chr9-135784038-T-C. GRCh37 (hg19) VCF-style: chr9-138675884-T-C.
Other names: c.2721T>C, p.Asn907= (NM_001272003.2).
Identifiers: ClinVar variation 417212 (VCV000417212.15), dbSNP rs147671362, ClinGen allele CA5327489.